The following is an entry in ClinVar:

NM_078480.3(PUF60):c.756dup (p.Lys253fs)

Gene: PUF60 (poly(U) binding splicing factor 60; minus strand). Cytogenetic location: 8q24.3.
Variant type: Duplication.
Coding change: c.756dup on transcript NM_078480.3 (MANE Select); coding-DNA position 756, one base duplicated (C; older notation c.756dupC).
Protein change: p.Lys253fs; shifts the reading frame from lysine 253.
Molecular consequence: frameshift variant.
Genome position (GRCh38, 1-based): chr8:143,817,923, G duplicated on the plus strand (C on the coding strand, the reverse complement: PUF60 is on the minus strand). VCF-style (leftmost placement, unchanged base first): chr8-143817922-T-TG. GRCh37 (hg19) VCF-style: chr8-144900092-T-TG.
Other names: c.627dup, p.Lys210fs (NM_001136033.3); c.702dup, p.Lys235fs (NM_001271096.2); c.618dup, p.Lys207fs (NM_001271097.2); c.753dup, p.Lys252fs (NM_001271098.2); c.669dup, p.Lys224fs (NM_001271099.2); c.576dup, p.Lys193fs (NM_001271100.2); c.867dup, p.Lys290fs (NM_001362895.2, NM_001362896.2); c.816dup, p.Lys273fs (NM_001362897.2); and 1 more; short protein forms K193fs, K207fs, K210fs, K224fs, K235fs, K236fs, K252fs, K253fs.
Identifiers: ClinVar variation 4279833 (VCV004279833.1).
Genomic context (GRCh38, chr8:143,817,922, plus strand): 5'-CAATGAAGCCGTAGCCCTTGTGCTTGCCAGTTGTGGGGTCCCGGGCCAGTGTGCAGGACT[T>TG]GATCTTGCCAAAGGCCTCAAACACGCTCTTGATGTCATCGTCTGAGAGGTCCTGGTGCAC-3'

ClinVar aggregate classification (germline): Likely pathogenic (1 of 4 stars; one submission).

Conditions:
8q24.3 microdeletion syndrome. Also called: CHROMOSOME 8q24.3 DELETION SYNDROME; Verheij syndrome. Identifiers: Orphanet 508488, MedGen C3810023, MONDO:0014263, OMIM 615583.

Submission:

Clinical Genomics Laboratory, Washington University in St. Louis
Classification: Likely pathogenic for 8q24.3 microdeletion syndrome. Last evaluated: 2025-06-21. Review status: criteria provided, single submitter. Criteria: ACMG Guidelines, 2015. Collection method: clinical testing. Allele origin: germline. Affected: yes.
Comment: The PUF60 c.756dup (p.Lys253Glnfs*21) variant, to our knowledge, has not been reported in the medical literature and is absent from the general population (gnomAD v.4.1.0), indicating it is not a common variant. This variant causes a frameshift by duplicating a single nucleotide, resulting in a premature termination codon that is predicted to lead to nonsense-mediated decay. Additionally, other variants in this region that introduce premature termination codons have been described in affected individuals and are considered pathogenic (Grimes H et al., PMID: 37303278; Low KJ et al., PMID: 28327570). Based on available information and the ACMG/AMP guidelines for variant interpretation (Richards S et al., PMID: 25741868), this variant is classified as likely pathogenic.